The following is an entry in ClinVar:

ClinVar aggregate classification (germline): Likely pathogenic (1 of 4 stars; one submission).

Submission:

Labcorp Genetics (formerly Invitae), Labcorp
Classification: Likely pathogenic. Last evaluated: 2024-12-02. Review status: criteria provided, single submitter. Criteria: Invitae Variant Classification Sherloc (09022015). Collection method: clinical testing. Allele origin: germline.
Comment: This sequence change affects an acceptor splice site in intron 29 of the POLE gene. It is expected to disrupt RNA splicing. Variants that disrupt the donor or acceptor splice site typically lead to a loss of protein function (PMID: 16199547), and loss-of-function variants in POLE are known to be pathogenic (PMID: 23230001, 25948378, 30503519). This variant is not present in population databases (gnomAD no frequency). This variant has not been reported in the literature in individuals affected with POLE-related conditions. Algorithms developed to predict the effect of sequence changes on RNA splicing suggest that this variant may disrupt the consensus splice site. In summary, the currently available evidence indicates that the variant is pathogenic, but additional data are needed to prove that conclusively. Therefore, this variant has been classified as Likely Pathogenic.

Literature cited by the submitters: PubMed 16199547; PubMed 23230001; PubMed 25948378; PubMed 30503519.

NM_006231.4(POLE):c.3583-1G>A

Gene: POLE (DNA polymerase epsilon, catalytic subunit; minus strand). Cytogenetic location: 12q24.33.
Variant type: single nucleotide variant.
Coding change: c.3583-1G>A on transcript NM_006231.4 (MANE Select); the canonical splice acceptor site of the intron before coding-DNA position 3583, G replaced by A.
Molecular consequence: splice acceptor variant.
Genome position (GRCh38, 1-based): chr12:132,649,890, C>T on the plus strand (G>A on the coding strand, the complement: POLE is on the minus strand). VCF-style: chr12-132649890-C-T. GRCh37 (hg19) VCF-style: chr12-133226476-C-T.
Identifiers: ClinVar variation 3726458 (VCV003726458.2).